The following is an entry in ClinVar:

ClinVar aggregate classification (germline): Uncertain significance (1 of 4 stars; one submission).

Conditions:
Amyotrophic lateral sclerosis type 21. Also called: MYOPATHY, DISTAL, 2; VOCAL CORD AND PHARYNGEAL DYSFUNCTION WITH DISTAL MYOPATHY. Identifiers: Orphanet 600, Orphanet 803, MedGen C3807521, MONDO:0011632, OMIM 606070.

Submission:

Labcorp Genetics (formerly Invitae), Labcorp
Classification: Uncertain significance for Amyotrophic lateral sclerosis type 21. Last evaluated: 2023-08-20. Review status: criteria provided, single submitter. Criteria: Invitae Variant Classification Sherloc (09022015). Collection method: clinical testing. Allele origin: germline.
Comment: This sequence change replaces glutamine, which is neutral and polar, with glutamic acid, which is acidic and polar, at codon 100 of the MATR3 protein (p.Gln100Glu). This variant is not present in population databases (gnomAD no frequency). This variant has not been reported in the literature in individuals affected with MATR3-related conditions. Advanced modeling of protein sequence and biophysical properties (such as structural, functional, and spatial information, amino acid conservation, physicochemical variation, residue mobility, and thermodynamic stability) has been performed at Invitae for this missense variant, however the output from this modeling did not meet the statistical confidence thresholds required to predict the impact of this variant on MATR3 protein function. In summary, the available evidence is currently insufficient to determine the role of this variant in disease. Therefore, it has been classified as a Variant of Uncertain Significance.

NM_018834.6(MATR3):c.298C>G (p.Gln100Glu)

Gene: MATR3 (matrin 3; plus strand). Cytogenetic location: 5q31.2.
Variant type: single nucleotide variant.
Coding change: c.298C>G on transcript NM_018834.6 (MANE Select); coding-DNA position 298, C replaced by G.
Protein change: p.Gln100Glu; replaces glutamine 100 with glutamic acid.
Molecular consequence: missense variant. On other transcripts: intron variant (11).
Genome position (GRCh38, 1-based): chr5:139,307,713, C>G. VCF-style: chr5-139307713-C-G. GRCh37 (hg19) VCF-style: chr5-138643402-C-G.
Other names: c.298C>G, p.Gln100Glu (NM_001400451.1, NM_001400452.1, NM_001400453.1 and 16 more transcripts); c.52-6962C>G (NM_001400459.1); c.-102-6962C>G (NM_001400463.1, NM_001400460.1, NM_001282278.2 and 3 more transcripts); c.-40-7984C>G (NM_001400462.1, NM_001400467.1); c.13-6962C>G (NM_001400461.1); c.49-6962C>G (NM_001194956.2); short protein forms Q100E.
Identifiers: ClinVar variation 2754223 (VCV002754223.3), dbSNP rs2546756072, ClinGen allele CA361486947.